The following is an entry in ClinVar:

ClinVar aggregate classification (germline): Benign/Likely benign. Review status: criteria provided, multiple submitters, no conflicts (2 of 4 stars). 3 submissions from 3 submitters: Benign (1); Likely benign (1). 1 of the submissions does not count toward it. Last evaluated 2024-07-01.

Conditions:
DNAH2-related disorder. Also called: DNAH2-related condition.

Allele frequency attached by ClinVar (database versions not stated): 1000 Genomes Project 30x 0.00234; 1000 Genomes Project 0.00240; gnomAD exomes 0.00409; ExAC 0.00430; gnomAD 0.00431 and 0.00443; TOPMed 0.00452; ESP Exome Variant Server 0.00592.
gnomAD v4.1: 9,995 of 1,614,082 alleles (0.62%); highest among the groups gnomAD compares: Non-Finnish European, 0.77%; 38 homozygotes.

Submissions (3):

CeGaT Center for Human Genetics Tuebingen
Classification: Likely benign. Last evaluated: 2024-07-01. Review status: criteria provided, single submitter. Criteria: CeGaT Center For Human Genetics Tuebingen Variant Classification Criteria Version 2. Collection method: clinical testing. Allele origin: germline. Affected: yes. Observed: 4 variant alleles.
Comment: DNAH2: BP4, BP7, BS2

Labcorp Genetics (formerly Invitae), Labcorp
Classification: Benign. Last evaluated: 2019-12-31. Review status: criteria provided, single submitter. Criteria: Invitae Variant Classification Sherloc (09022015). Collection method: clinical testing. Allele origin: germline.

PreventionGenetics, part of Exact Sciences
Classification: Likely benign for DNAH2-related condition. Last evaluated: 2019-03-29. Review status: no assertion criteria provided. Collection method: clinical testing. Allele origin: germline. Not counted in ClinVar's aggregate classification.
Comment: This variant is classified as likely benign based on ACMG/AMP sequence variant interpretation guidelines (Richards et al. 2015 PMID: 25741868, with internal and published modifications).

NM_020877.5(DNAH2):c.12036C>T (p.Ser4012=)

Gene: DNAH2 (dynein axonemal heavy chain 2; plus strand). Cytogenetic location: 17p13.1.
Variant type: single nucleotide variant.
Coding change: c.12036C>T on transcript NM_020877.5 (MANE Select); coding-DNA position 12036, C replaced by T.
Protein change: p.Ser4012=; no amino-acid change (serine 4012 retained).
Molecular consequence: synonymous variant.
Genome position (GRCh38, 1-based): chr17:7,830,482, C>T. VCF-style: chr17-7830482-C-T. GRCh37 (hg19) VCF-style: chr17-7733800-C-T.
Identifiers: ClinVar variation 774929 (VCV000774929.29), dbSNP rs61744634, ClinGen allele CA8359625.